The following is an entry in ClinVar:

ClinVar aggregate classification (germline): Uncertain significance (1 of 4 stars; one submission).

Conditions:
Intellectual developmental disorder with or without epilepsy or cerebellar ataxia. Identifiers: MedGen C4748041, MONDO:0060745, OMIM 618060.

Allele frequency attached by ClinVar (database versions not stated): TOPMed 0.00001.

Submission:

New York Genome Center
Classification: Uncertain significance for Intellectual developmental disorder with or without epilepsy or cerebellar ataxia. Last evaluated: 2020-07-03. Review status: criteria provided, single submitter. Criteria: NYGC Assertion Criteria 2020. Collection method: clinical testing. Allele origin: de novo. Observed: 1 heterozygote. Study: CSER-NYCKidSeq.
Comment: The de novo deep intronic variant c.167-69528A>G located in intron 1 (of 10) of the gene has not been reported in affected individuals in the literature. The variant is absent from the gnomAD database indicating it is an extremely rare allele in the general population. The RefSef database contains at least four alternatively spliced transcripts of RORA; this deep intornic variant is located in an intron which is unique to the transcript NM_134261.3 (the longest of the four RefSeq transcripts). Functional studies are required to evaluate the potential pathogenicity of this variant, if any. Based on the available evidence, the de novo deep intronic c.167-69528A>G variant identified in the RORA gene is assessed as a variant of uncertain significance.

NM_134261.3(RORA):c.167-69528A>G

Gene: RORA (RAR related orphan receptor A; minus strand). Cytogenetic location: 15q22.2.
Variant type: single nucleotide variant.
Coding change: c.167-69528A>G on transcript NM_134261.3 (MANE Select); 69528 bases into the intron before coding-DNA position 167, A replaced by G.
Molecular consequence: intron variant.
Genome position (GRCh38, 1-based): chr15:60,748,214, T>C on the plus strand (A>G on the coding strand, the complement: RORA is on the minus strand). VCF-style: chr15-60748214-T-C. GRCh37 (hg19) VCF-style: chr15-61040413-T-C.
Identifiers: ClinVar variation 1098628 (VCV001098628.1), dbSNP rs1479095602, ClinGen allele CA714509134.
Genomic context (GRCh38, chr15:60,748,214, plus strand): 5'-TTTAAGTCAAAGCCTAATTTAAAATATTTTAAGTATGGACATAAATGCGCTGGCCTAAAA[T>C]GTGTGTGTTTGCACATGTGTGCACATCTATATCATATAGTTTACATAGAAATGGATGAAA-3'